The following is an entry in ClinVar:

ClinVar aggregate classification (germline): Likely pathogenic (1 of 4 stars; one submission).

Submission:

GeneDx
Classification: Likely pathogenic. Last evaluated: 2017-04-25. Review status: criteria provided, single submitter. Criteria: GeneDx Variant Classification (06012015). Collection method: clinical testing. Allele origin: germline. Affected: yes.
Comment: The Q259H variant in the SIX3 gene has not been reported previously as a pathogenic variant, nor as a benign variant, to our knowledge. The Q259H variant is not observed in large population cohorts (Lek et al., 2016; 1000 Genomes Consortium et al., 2015; Exome Variant Server). The Q259H variant is a semi-conservative amino acid substitution, which may impact secondary protein structure as these residues differ in some properties. This substitution occurs at a position that is conserved across species and is located within the homeo-domain. In silico analysis predicts this variant is probably damaging to the protein structure/function. We interpret Q259H as a likely pathogenic variant.

NM_005413.4(SIX3):c.777G>T (p.Gln259His)

Gene: SIX3 (SIX homeobox 3; plus strand). Cytogenetic location: 2p21.
Variant type: single nucleotide variant.
Coding change: c.777G>T on transcript NM_005413.4 (MANE Select); coding-DNA position 777, G replaced by T.
Protein change: p.Gln259His; replaces glutamine 259 with histidine.
Molecular consequence: missense variant.
Genome position (GRCh38, 1-based): chr2:44,942,881, G>T. VCF-style: chr2-44942881-G-T. GRCh37 (hg19) VCF-style: chr2-45170020-G-T.
Other names: short protein forms Q259H.
Identifiers: ClinVar variation 426229 (VCV000426229.2), dbSNP rs1085307513, ClinGen allele CA346800343.
Genomic context (GRCh38, chr2:44,942,881, plus strand): 5'-GGCGCAGGCCACCGGCCTCACTCCCACACAAGTAGGCAACTGGTTTAAGAACCGGCGGCA[G>T]CGCGACCGCGCCGCGGCGGCCAAGAACAGGTTAGTGGCGGGGCCCGCGGCCTGGCTACAG-3'
Protein context (NP_005404.1, residues 249-269): QVGNWFKNRR[Gln259His]RDRAAAAKNR